The following is an entry in ClinVar:

ClinVar aggregate classification (germline): Uncertain significance. Review status: criteria provided, multiple submitters, no conflicts (2 of 4 stars). 2 submissions from 2 submitters: Uncertain significance (2). Last evaluated 2024-08-21.

Conditions:
Hereditary cancer-predisposing syndrome. Also called: Neoplastic Syndromes, Hereditary; Hereditary neoplastic syndrome; Tumor predisposition; Hereditary Cancer Syndrome. Identifiers: Orphanet 140162, MedGen C0027672, MeSH D009386, MONDO:0015356.
Isolated focal cortical dysplasia type II (FCORD2). Also called: Focal cortical dysplasia type II; CORTICAL DYSPLASIA OF TAYLOR. Identifiers: Orphanet 268994, MedGen C1846385, MONDO:0011818, OMIM 607341, HP:0032051.

Submissions (2):

Ambry Genetics
Classification: Uncertain significance for Hereditary cancer-predisposing syndrome. Last evaluated: 2024-08-21. Review status: criteria provided, single submitter. Criteria: Ambry Variant Classification Scheme 2023. Collection method: clinical testing. Allele origin: germline.
Comment: The p.L729V variant (also known as c.2185C>G), located in coding exon 15 of the TSC1 gene, results from a C to G substitution at nucleotide position 2185. The leucine at codon 729 is replaced by valine, an amino acid with highly similar properties. This amino acid position is conserved. In addition, the in silico prediction for this alteration is inconclusive. Based on the available evidence, the clinical significance of this variant remains unclear.

Baylor Genetics
Classification: Uncertain significance for Isolated focal cortical dysplasia type II. Last evaluated: 2023-10-27. Review status: criteria provided, single submitter. Criteria: ACMG Guidelines, 2015. Collection method: clinical testing. Allele origin: unknown.

NM_000368.5(TSC1):c.2185C>G (p.Leu729Val)

Gene: TSC1 (TSC complex subunit 1; minus strand). Cytogenetic location: 9q34.13.
Variant type: single nucleotide variant.
Coding change: c.2185C>G on transcript NM_000368.5 (MANE Select); coding-DNA position 2185, C replaced by G.
Protein change: p.Leu729Val; replaces leucine 729 with valine.
Molecular consequence: missense variant. On other transcripts: non-coding transcript variant (4).
Genome position (GRCh38, 1-based): chr9:132,903,674, G>C on the plus strand (C>G on the coding strand, the complement: TSC1 is on the minus strand). VCF-style: chr9-132903674-G-C. GRCh37 (hg19) VCF-style: chr9-135779061-G-C.
Other names: c.1819C>G, p.Leu607Val (NM_001406623.1, NM_001406625.1, NM_001406620.1 and 2 more transcripts); c.1822C>G, p.Leu608Val (NM_001406624.1, NM_001406614.1, NM_001406615.1 and 5 more transcripts); c.1234C>G, p.Leu412Val (NM_001406626.1); c.1132C>G, p.Leu378Val (NM_001406630.1, NM_001406629.1); c.1231C>G, p.Leu411Val (NM_001406627.1, NM_001406628.1); c.2029C>G, p.Leu677Val (NM_001406612.1, NM_001406613.1, NM_001406611.1); c.2182C>G, p.Leu728Val (NM_001162426.2, NM_001406597.1, NM_001406598.1 and 4 more transcripts); c.2032C>G, p.Leu678Val (NM_001162427.2, NM_001406610.1); and 3 more; short protein forms L378V, L411V, L412V, L607V, L608V, L677V, L678V, L723V.
Identifiers: ClinVar variation 2679300 (VCV002679300.2), dbSNP rs2131758295, ClinGen allele CA375360691.